The following is an entry in ClinVar:

ClinVar aggregate classification (germline): Uncertain significance (1 of 4 stars; one submission).

Conditions:
Melanoma, cutaneous malignant, susceptibility to, 5. Also called: Cutaneous malignant melanoma 5. Identifiers: Orphanet 618, MedGen C2751295, MONDO:0013133, OMIM 613099.

Allele frequency attached by ClinVar (database versions not stated): gnomAD 0.00001 and 0.00002; TOPMed 0.00001; gnomAD exomes 0.00002; ExAC 0.00004.

Submission:

Labcorp Genetics (formerly Invitae), Labcorp
Classification: Uncertain significance for Melanoma, cutaneous malignant, susceptibility to, 5. Last evaluated: 2024-04-10. Review status: criteria provided, single submitter. Criteria: Invitae Variant Classification Sherloc (09022015). Collection method: clinical testing. Allele origin: germline.
Comment: This sequence change replaces arginine, which is basic and polar, with cysteine, which is neutral and slightly polar, at codon 306 of the MC1R protein (p.Arg306Cys). This variant is present in population databases (rs747847234, gnomAD 0.02%). This variant has not been reported in the literature in individuals affected with MC1R-related conditions. ClinVar contains an entry for this variant (Variation ID: 1018447). Advanced modeling of protein sequence and biophysical properties (such as structural, functional, and spatial information, amino acid conservation, physicochemical variation, residue mobility, and thermodynamic stability) performed at Invitae indicates that this missense variant is expected to disrupt MC1R protein function with a positive predictive value of 80%. In summary, the available evidence is currently insufficient to determine the role of this variant in disease. Therefore, it has been classified as a Variant of Uncertain Significance.

NM_002386.4(MC1R):c.916C>T (p.Arg306Cys)

Gene: MC1R (melanocortin 1 receptor; plus strand). Cytogenetic location: 16q24.3.
Variant type: single nucleotide variant.
Coding change: c.916C>T on transcript NM_002386.4 (MANE Select); coding-DNA position 916, C replaced by T.
Protein change: p.Arg306Cys; replaces arginine 306 with cysteine.
Molecular consequence: missense variant.
Genome position (GRCh38, 1-based): chr16:89,920,174, C>T. VCF-style: chr16-89920174-C-T. GRCh37 (hg19) VCF-style: chr16-89986582-C-T.
Other names: short protein forms R306C.
Identifiers: ClinVar variation 1018447 (VCV001018447.8), dbSNP rs747847234, ClinGen allele CA8255812.